The following is an entry in ClinVar:

ClinVar aggregate classification (germline): Likely benign. Review status: criteria provided, multiple submitters, no conflicts (2 of 4 stars). 2 submissions from 2 submitters: Likely benign (2). Last evaluated 2026-06-24.

Conditions:
Charcot-Marie-Tooth disease dominant intermediate E. Also called: CHARCOT-MARIE-TOOTH NEUROPATHY WITH FOCAL SEGMENTAL GLOMERULONEPHRITIS. Identifiers: Orphanet 93114, MedGen C4302667, MONDO:0013758, OMIM 614455.
Focal segmental glomerulosclerosis 5 (FSGS5). Identifiers: Orphanet 656, MedGen C2750475, MONDO:0013191, OMIM 613237.
INF2-related disorder. Also called: INF2-related condition.

Allele frequency attached by ClinVar (database versions not stated): gnomAD 0.00008; gnomAD exomes 0.00010; ExAC 0.00012.
gnomAD v4.1: 86 of 872,338 alleles (0.0099%); highest among the groups gnomAD compares: Middle Eastern, 0.038%; no homozygotes.

Submissions (2):

PreventionGenetics, part of Exact Sciences
Classification: Likely benign for INF2-related condition. Last evaluated: 2026-06-24. Review status: criteria provided, single submitter. Criteria: ACMG Guidelines, 2015. Collection method: clinical testing. Allele origin: germline.
Comment: This variant is classified as likely benign based on ACMG/AMP sequence variant interpretation guidelines (Richards et al. 2015 PMID: 25741868, with internal and published modifications).

Labcorp Genetics (formerly Invitae), Labcorp
Classification: Likely benign for Charcot-Marie-Tooth disease dominant intermediate E; Focal segmental glomerulosclerosis 5. Last evaluated: 2026-01-12. Review status: criteria provided, single submitter. Criteria: Invitae Variant Classification Sherloc (09022015). Collection method: clinical testing. Allele origin: germline.

NM_022489.4(INF2):c.1428A>G (p.Leu476=)

Gene: INF2 (inverted formin 2; plus strand). Cytogenetic location: 14q32.33.
Variant type: single nucleotide variant.
Coding change: c.1428A>G on transcript NM_022489.4 (MANE Select); coding-DNA position 1428, A replaced by G.
Protein change: p.Leu476=; no amino-acid change (leucine 476 retained).
Molecular consequence: synonymous variant.
Genome position (GRCh38, 1-based): chr14:104,707,695, A>G. VCF-style: chr14-104707695-A-G. GRCh37 (hg19) VCF-style: chr14-105174032-A-G.
Other names: c.1428A>G (NM_022489.3); c.1428A>G, p.Leu476= (NM_001031714.4).
Identifiers: ClinVar variation 1125887 (VCV001125887.10), dbSNP rs765740200, ClinGen allele CA7372570.